The following is an entry in ClinVar:

NM_005026.5(PIK3CD):c.2326ATC[1] (p.Ile777del)

Gene: PIK3CD (phosphatidylinositol-4,5-bisphosphate 3-kinase catalytic subunit delta; plus strand). Cytogenetic location: 1p36.22.
Variant type: Microsatellite.
Coding change: c.2326ATC[1] on transcript NM_005026.5 (MANE Select); one copy of the 3-base unit ATC starting at c.2326; the reference has two copies in a row; one copy, 3 bases deleted.
Protein change: p.Ile777del; deletes isoleucine 777.
Molecular consequence: inframe deletion.
Genome position (GRCh38, 1-based): chr1:9,722,338-9,722,340, ATC deleted; deleting any 3 consecutive bases within chr1:9,722,334-9,722,340 gives the same sequence; the position shown is the placement nearest the transcript's 3' end. VCF-style (leftmost placement, unchanged base first): chr1-9722333-GCAT-G. GRCh37 (hg19) VCF-style: chr1-9782391-GCAT-G.
Other names: c.2329_2331delATC (NM_005026.3); c.2323ATC[1], p.Ile776del (NM_001350234.2); c.2239ATC[1], p.Ile748del (NM_001350235.1); short protein forms I777del, I748del, I776del.
Identifiers: ClinVar variation 503831 (VCV000503831.4), dbSNP rs1553171177, ClinGen allele CA658795390.
Genomic context (GRCh38, chr1:9,722,333, plus strand): 5'-AGATGAAGCCCCTGTGGATCATGTACAGCAACGAGGAGGCAGGCAGCGGCGGCAGCGTGG[GCAT>G]CATCTTTAAGAACGGGGATGGTGAGGGCCTGGCCTCCCCACACCCCGCCTGTACTGCCCT-3'

ClinVar aggregate classification (germline): Uncertain significance (1 of 4 stars; one submission).

Submission:

GeneDx
Classification: Uncertain significance. Last evaluated: 2020-09-11. Review status: criteria provided, single submitter. Criteria: GeneDx Variant Classification Process June 2021. Collection method: clinical testing. Allele origin: germline. Affected: yes.
Comment: Not observed in large population cohorts (Lek et al., 2016); In-frame deletion of one amino acids in a non-repeat region; In silico analyses, including protein predictors and evolutionary conservation, support a deleterious effect; Has not been previously published as pathogenic or benign to our knowledge; This variant is associated with the following publications: (PMID: 28418085)